The following is an entry in ClinVar:

ClinVar aggregate classification (germline): Uncertain significance (1 of 4 stars; one submission).

Submission:

GeneDx
Classification: Uncertain significance. Last evaluated: 2019-08-21. Review status: criteria provided, single submitter. Criteria: GeneDx Variant Classification Process June 2021. Collection method: clinical testing. Allele origin: germline. Affected: yes.
Comment: Not observed in large population cohorts (Lek et al., 2016); In silico analysis, which includes protein predictors and evolutionary conservation, supports a deleterious effect; Has not been previously published as pathogenic or benign to our knowledge

NM_015340.4(LARS2):c.424A>G (p.Arg142Gly)

Gene: LARS2 (leucyl-tRNA synthetase 2, mitochondrial; plus strand). Cytogenetic location: 3p21.31.
Variant type: single nucleotide variant.
Coding change: c.424A>G on transcript NM_015340.4 (MANE Select); coding-DNA position 424, A replaced by G.
Protein change: p.Arg142Gly; replaces arginine 142 with glycine.
Molecular consequence: missense variant.
Genome position (GRCh38, 1-based): chr3:45,417,542, A>G. VCF-style: chr3-45417542-A-G. GRCh37 (hg19) VCF-style: chr3-45459034-A-G.
Other names: c.424A>G, p.Arg142Gly (NM_001368263.1); short protein forms R142G.
Identifiers: ClinVar variation 1308013 (VCV001308013.2), dbSNP rs1403808001, ClinGen allele CA352976658.